The following is an entry in ClinVar:

ClinVar aggregate classification (germline): Uncertain significance. Review status: criteria provided, multiple submitters, no conflicts (2 of 4 stars). 2 submissions from 2 submitters: Uncertain significance (2). Last evaluated 2025-01-01.

Conditions:
Inborn genetic diseases. Identifiers: MedGen C0950123, MeSH D030342.
Cataract 19 multiple types. Also called: CATARACT 19, CORTICAL PULVERULENT; CATARACT 19, CONGENITAL TOTAL. Identifiers: Orphanet 91492, MedGen C3809004, MONDO:0014111, OMIM 615277.

Allele frequency attached by ClinVar (database versions not stated): ExAC 0.00006; 1000 Genomes Project 30x 0.00016; gnomAD exomes 0.00004; TOPMed 0.00001; gnomAD 0.00003; 1000 Genomes Project 0.00020.

Submissions (2):

Ambry Genetics
Classification: Uncertain significance for Inborn genetic diseases. Last evaluated: 2025-01-01. Review status: criteria provided, single submitter. Criteria: Ambry Variant Classification Scheme 2023. Collection method: clinical testing. Allele origin: germline.

Baylor Genetics
Classification: Uncertain significance for Cataract 19 multiple types. Last evaluated: 2019-11-26. Review status: criteria provided, single submitter. Criteria: ACMG Guidelines, 2015. Collection method: clinical testing. Allele origin: unknown. Affected: yes.
Comment: This variant was determined to be of uncertain significance according to ACMG Guidelines, 2015 [PMID:25741868].

NM_001161748.2(LIM2):c.484C>T (p.Arg162Trp)

Gene: LIM2 (lens intrinsic membrane protein 2; minus strand). Cytogenetic location: 19q13.41.
Variant type: single nucleotide variant.
Coding change: c.484C>T on transcript NM_001161748.2 (MANE Select); coding-DNA position 484, C replaced by T.
Protein change: p.Arg162Trp; replaces arginine 162 with tryptophan.
Molecular consequence: missense variant.
Genome position (GRCh38, 1-based): chr19:51,380,239, G>A on the plus strand (C>T on the coding strand, the complement: LIM2 is on the minus strand). VCF-style: chr19-51380239-G-A. GRCh37 (hg19) VCF-style: chr19-51883493-G-A.
Other names: c.610C>T, p.Arg204Trp (NM_030657.4); c.610C>T (NM_030657.3); short protein forms R162W, R204W.
Identifiers: ClinVar variation 1029169 (VCV001029169.2), dbSNP rs558484735, ClinGen allele CA9611445.